The following continues an entry in ClinVar:

NM_001276345.2(TNNT2):c.803A>T (p.Lys268Ile)

Gene: TNNT2. ClinVar aggregate classification (germline): Conflicting classifications of pathogenicity. Pathogenic (1); Likely pathogenic (6); Uncertain significance (3).

Submissions 7 to 10 of 10:

Women's Health and Genetics/Laboratory Corporation of America, LabCorp
Classification: Uncertain significance. Last evaluated: 2024-01-30. Review status: criteria provided, single submitter. Criteria: LabCorp Variant Classification Summary - May 2015. Collection method: clinical testing. Allele origin: germline.
Comment: Variant summary: TNNT2 c.773A>T (p.Lys258Ile) results in a non-conservative amino acid change in the encoded protein sequence. Five of five in-silico tools predict a damaging effect of the variant on protein function. The variant allele was found at a frequency of 6.6e-06 in 152150 control chromosomes in gnomAD database (v4.0.0). c.773A>T has been reported in the literature in individuals affected with Cardiomyopathy (e.g. Botillo_2016, Walsh_2016, Hathaway_2021, Ho_2018, Ko_2018) with limited clinical details. These data indicate that the variant may be associated with disease. To our knowledge, no experimental evidence demonstrating an impact on protein function has been reported.The following publications have been ascertained in the context of this evaluation (PMID: 26656175, 33673806, 30297972, 28640247, 27483260, 27532257). ClinVar contains an entry for this variant (Variation ID: 43670). Based on the evidence outlined above, the variant was classified as VUS-possibly pathogenic.

CHEO Genetics Diagnostic Laboratory, Children's Hospital of Eastern Ontario
Classification: Likely pathogenic for Cardiomyopathy. Last evaluated: 2023-05-17. Review status: criteria provided, single submitter. Criteria: ACMG Guidelines, 2015. Collection method: clinical testing. Allele origin: germline. Study: Canadian Open Genetics Repository.

Laboratory for Molecular Medicine, Mass General Brigham Personalized Medicine
Classification: Uncertain significance for Hypertrophic cardiomyopathy. Last evaluated: 2023-03-29. Review status: criteria provided, single submitter. Criteria: ACMG Guidelines, 2015. Collection method: clinical testing. Allele origin: germline. Inheritance: Autosomal dominant inheritance.
Comment: The p.Lys258Ile variant in TNNT2 has been reported in 8 individuals with hypertrophic cardiomyopathy (HCM; Bottillo 2016 PMID: 26656175, Rubattu 2016 PMID: 27483260, Walsh 2017 PMID: 27532257, Hathaway 2021 PMID: 33673806, LMM Data, Invitae Personal Communication 2023). This variant has also been reported by other clinical laboratories in ClinVar (Variation ID 43670) and has been identified in 0.0015% (1/68010) of European chromosomes by gnomAD (v.3.1.2). In vitro functional studies provide some evidence that this variant may impact protein function (Pettinato 2020 PMID: 33025817); however, these types of assays may not accurately represent biological function. Computational prediction tools and conservation analyses suggest that this variant may impact the protein, though this information is not predictive enough to determine pathogenicity. In summary, the clinical significance of this variant is uncertain. ACMG/AMP Criteria applied: PS4_Moderate, PM2_Supporting, PP3.

Molecular Diagnostic Laboratory for Inherited Cardiovascular Disease, Montreal Heart Institute
Classification: Likely pathogenic for Primary familial hypertrophic cardiomyopathy. Last evaluated: 2017-06-26. Review status: criteria provided, single submitter. Criteria: ACMG Guidelines, 2015. Collection method: clinical testing. Allele origin: germline. Affected: yes.

Literature cited by the submitters: PubMed 26656175 (cited by 5 submitters); PubMed 27483260 (cited by 5 submitters); PubMed 27532257 (cited by 5 submitters); PubMed 28640247 (cited by 4 submitters); PubMed 29875424 (cited by 3 submitters); PubMed 30297972 (cited by Ambry Genetics and Women's Health and Genetics/Laboratory Corporation of America, LabCorp); PubMed 33025817 (cited by 3 submitters); PubMed 33495596 (cited by 3 submitters); PubMed 33495597 (cited by 3 submitters); PubMed 33673806 (cited by 4 submitters); PubMed 37652022 (cited by Ambry Genetics); PubMed 25611685 (cited by All of Us Research Program, National Institutes of Health and Color Diagnostics, LLC DBA Color Health).